The following is an entry in ClinVar:

NM_182914.3(SYNE2):c.7976G>A (p.Arg2659Gln)

Gene: SYNE2 (spectrin repeat containing nuclear envelope protein 2; plus strand). Cytogenetic location: 14q23.2.
Variant type: single nucleotide variant.
Coding change: c.7976G>A on transcript NM_182914.3 (MANE Select); coding-DNA position 7976, G replaced by A.
Protein change: p.Arg2659Gln; replaces arginine 2659 with glutamine.
Molecular consequence: missense variant.
Genome position (GRCh38, 1-based): chr14:64,051,889, G>A. VCF-style: chr14-64051889-G-A. GRCh37 (hg19) VCF-style: chr14-64518607-G-A.
Other names: c.7976G>A, p.Arg2659Gln (NM_015180.6); short protein forms R2659Q.
Identifiers: ClinVar variation 197605 (VCV000197605.23), dbSNP rs199561218, ClinGen allele CA245855.

ClinVar aggregate classification (germline): Conflicting classifications of pathogenicity. Review status: criteria provided, conflicting classifications (1 of 4 stars). 6 submissions from 6 submitters: Uncertain significance (4); Benign (1); Likely benign (1). Last evaluated 2026-01-26.

Conditions:
Emery-Dreifuss muscular dystrophy 5, autosomal dominant (EDMD5). Also called: EMERY-DREIFUSS MUSCULAR DYSTROPHY 5. Identifiers: Orphanet 261, MedGen C2751805, MONDO:0013072, OMIM 612999.

Allele frequency attached by ClinVar (database versions not stated): ESP Exome Variant Server 0.00024; 1000 Genomes Project 0.00040; gnomAD 0.00041 and 0.00043; 1000 Genomes Project 30x 0.00047; TOPMed 0.00050.
gnomAD v4.1: 573 of 1,613,882 alleles (0.036%); highest among the groups gnomAD compares: Non-Finnish European, 0.044%; 1 homozygote.

Submissions (6):

Labcorp Genetics (formerly Invitae), Labcorp
Classification: Uncertain significance for Emery-Dreifuss muscular dystrophy 5, autosomal dominant. Last evaluated: 2026-01-26. Review status: criteria provided, single submitter. Criteria: Invitae Variant Classification Sherloc (09022015). Collection method: clinical testing. Allele origin: germline.
Comment: This sequence change replaces arginine, which is basic and polar, with glutamine, which is neutral and polar, at codon 2659 of the SYNE2 protein (p.Arg2659Gln). This variant is present in population databases (rs199561218, gnomAD 0.06%), and has an allele count higher than expected for a pathogenic variant. This variant has not been reported in the literature in individuals affected with SYNE2-related conditions. ClinVar contains an entry for this variant (Variation ID: 197605). An algorithm developed to predict the effect of missense changes on protein structure and function outputs the following: PolyPhen-2: "Benign". The glutamine amino acid residue is found in multiple mammalian species, which suggests that this missense change does not adversely affect protein function. In summary, the available evidence is currently insufficient to determine the role of this variant in disease. Therefore, it has been classified as a Variant of Uncertain Significance.

Blueprint Genetics
Classification: Likely benign. Last evaluated: 2024-10-29. Review status: criteria provided, single submitter. Criteria: ACMG Guidelines, 2015. Collection method: clinical testing. Allele origin: germline.

Revvity Omics, Revvity
Classification: Uncertain significance for Emery-Dreifuss muscular dystrophy 5, autosomal dominant. Last evaluated: 2019-07-15. Review status: criteria provided, single submitter. Criteria: ACMG Guidelines, 2015. Collection method: clinical testing. Allele origin: germline.

Athena Diagnostics
Classification: Uncertain significance. Last evaluated: 2018-07-05. Review status: criteria provided, single submitter. Criteria: Athena Diagnostics Criteria. Collection method: clinical testing. Allele origin: germline.

Illumina Laboratory Services, Illumina
Classification: Benign for Emery-Dreifuss muscular dystrophy 5, autosomal dominant. Last evaluated: 2018-01-13. Review status: criteria provided, single submitter. Criteria: ICSL Variant Classification Criteria 13 December 2019. Collection method: clinical testing. Allele origin: germline.
Comment: This variant was observed in the ICSL laboratory as part of a predisposition screen in an ostensibly healthy population. It had not been previously curated by ICSL or reported in the Human Gene Mutation Database (HGMD: prior to June 1st, 2018), and was therefore a candidate for classification through an automated scoring system. Utilizing variant allele frequency, disease prevalence and penetrance estimates, and inheritance mode, an automated score was calculated to assess if this variant is too frequent to cause the disease. Based on the score and internal cut-off values, a variant classified as benign is not then subjected to further curation. The score for this variant resulted in a classification of benign for this disease.

Eurofins Ntd Llc (ga)
Classification: Uncertain significance. Last evaluated: 2014-11-14. Review status: criteria provided, single submitter. Criteria: EGL Classification Definitions 2015. Collection method: clinical testing. Allele origin: germline. Observed: 5 variant alleles, 5 heterozygotes.